The following is an entry in ClinVar:

ClinVar aggregate classification (germline): Uncertain significance (1 of 4 stars; one submission).

Submission:

Labcorp Genetics (formerly Invitae), Labcorp
Classification: Uncertain significance. Last evaluated: 2022-12-08. Review status: criteria provided, single submitter. Criteria: Invitae Variant Classification Sherloc (09022015). Collection method: clinical testing. Allele origin: germline.
Comment: Experimental studies and prediction algorithms are not available or were not evaluated, and the functional significance of this variant is currently unknown. In summary, the available evidence is currently insufficient to determine the role of this variant in disease. Therefore, it has been classified as a Variant of Uncertain Significance. This variant has not been reported in the literature in individuals affected with CTNNA1-related conditions. This variant is not present in population databases (gnomAD no frequency). This sequence change results in a frameshift in the CTNNA1 gene (p.Asn892Ilefs*36). While this is not anticipated to result in nonsense mediated decay, it is expected to disrupt the last 15 amino acid(s) of the CTNNA1 protein and extend the protein by 20 additional amino acid residues.

NM_001903.5(CTNNA1):c.2656_2674dup (p.Asn892fs)

Gene: CTNNA1 (catenin alpha 1; plus strand). Cytogenetic location: 5q31.2.
Variant type: Duplication.
Coding change: c.2656_2674dup on transcript NM_001903.5 (MANE Select); coding-DNA positions 2656 to 2674, 19 bases duplicated (TCTCAGAAGAAGCACGTGA).
Protein change: p.Asn892fs; shifts the reading frame from asparagine 892.
Molecular consequence: frameshift variant. On other transcripts: 3 prime UTR variant (5).
Genome position (GRCh38, 1-based): chr5:138,934,024-138,934,042, TCTCAGAAGAAGCACGTGA duplicated; duplicating any 19 consecutive bases within chr5:138,934,023-138,934,042 gives the same sequence; the c. name uses the placement nearest the transcript's 3' end. VCF-style (leftmost placement, unchanged base first): chr5-138934022-C-CATCTCAGAAGAAGCACGTG. GRCh37 (hg19) VCF-style: chr5-138269711-C-CATCTCAGAAGAAGCACGTG.
Other names: c.*201_*219dup (NM_001290307.3, NM_001324002.1, NM_001324003.1 and 2 more transcripts); c.2347_2365dup, p.Asn789fs (NM_001290309.3); c.2287_2305dup, p.Asn769fs (NM_001290310.3); c.1546_1564dup, p.Asn522fs (NM_001290312.1, NM_001323987.1, NM_001323988.1 and 12 more transcripts); c.2656_2674dup, p.Asn892fs (NM_001323982.2, NM_001323983.1, NM_001323984.2); c.2629_2647dup, p.Asn883fs (NM_001323985.2); c.2563_2581dup, p.Asn861fs (NM_001323986.2); c.1411_1429dup, p.Asn477fs (NM_001324001.1); and 3 more; short protein forms N441fs, N477fs, N883fs, N491fs, N522fs, N769fs, N789fs, N892fs.
Identifiers: ClinVar variation 2819539 (VCV002819539.3), dbSNP rs2533956578, ClinGen allele CA2739275088.